The following is an entry in ClinVar:

ClinVar aggregate classification (germline): Uncertain significance (1 of 4 stars; one submission).

Conditions:
Cognitive impairment - coarse facies - heart defects - obesity - pulmonary involvement - short stature - skeletal dysplasia syndrome. Also called: COGNITIVE IMPAIRMENT, COARSE FACIES, HEART DEFECTS, OBESITY, PULMONARY INVOLVEMENT, SHORT STATURE, AND SKELETAL DYSPLASIA; Chops syndrome; AFF4-Related CHOPS Syndrome. Identifiers: Orphanet 444077, MedGen C4085597, MONDO:0014609, OMIM 616368.

Submission:

Labcorp Genetics (formerly Invitae), Labcorp
Classification: Uncertain significance for Cognitive impairment - coarse facies - heart defects - obesity - pulmonary involvement - short stature - skeletal dysplasia syndrome. Last evaluated: 2025-03-05. Review status: criteria provided, single submitter. Criteria: Invitae Variant Classification Sherloc (09022015). Collection method: clinical testing. Allele origin: germline.
Comment: This sequence change replaces aspartic acid, which is acidic and polar, with valine, which is neutral and non-polar, at codon 934 of the AFF4 protein (p.Asp934Val). This variant is not present in population databases (gnomAD no frequency). This variant has not been reported in the literature in individuals affected with AFF4-related conditions. ClinVar contains an entry for this variant (Variation ID: 2711246). Invitae Evidence Modeling of protein sequence and biophysical properties (such as structural, functional, and spatial information, amino acid conservation, physicochemical variation, residue mobility, and thermodynamic stability) indicates that this missense variant is expected to disrupt AFF4 protein function with a positive predictive value of 80%. In summary, the available evidence is currently insufficient to determine the role of this variant in disease. Therefore, it has been classified as a Variant of Uncertain Significance.

NM_014423.4(AFF4):c.2801A>T (p.Asp934Val)

Gene: AFF4 (ALF transcription elongation factor 4; minus strand). Cytogenetic location: 5q31.1.
Variant type: single nucleotide variant.
Coding change: c.2801A>T on transcript NM_014423.4 (MANE Select); coding-DNA position 2801, A replaced by T.
Protein change: p.Asp934Val; replaces aspartic acid 934 with valine.
Molecular consequence: missense variant.
Genome position (GRCh38, 1-based): chr5:132,887,978, T>A on the plus strand (A>T on the coding strand, the complement: AFF4 is on the minus strand). VCF-style: chr5-132887978-T-A. GRCh37 (hg19) VCF-style: chr5-132223670-T-A.
Other names: short protein forms D934V.
Identifiers: ClinVar variation 2711246 (VCV002711246.3), dbSNP rs2532444528, ClinGen allele CA360970504.